The following is an entry in ClinVar:

NM_000455.5(STK11):c.959T>C (p.Val320Ala)

Gene: STK11 (serine/threonine kinase 11; plus strand). Cytogenetic location: 19p13.3.
Variant type: single nucleotide variant.
Coding change: c.959T>C on transcript NM_000455.5 (MANE Select); coding-DNA position 959, T replaced by C.
Protein change: p.Val320Ala; replaces valine 320 with alanine.
Molecular consequence: missense variant.
Genome position (GRCh38, 1-based): chr19:1,223,023, T>C. VCF-style: chr19-1223023-T-C. GRCh37 (hg19) VCF-style: chr19-1223022-T-C.
Other names: short protein forms V320A.
Identifiers: ClinVar variation 422426 (VCV000422426.5), dbSNP rs781528711, ClinGen allele CA049817.

ClinVar aggregate classification (germline): Uncertain significance. Review status: criteria provided, multiple submitters, no conflicts (2 of 4 stars). 2 submissions from 2 submitters: Uncertain significance (2). Last evaluated 2024-09-24.

Conditions:
Hereditary cancer-predisposing syndrome. Also called: Hereditary neoplastic syndrome; Neoplastic Syndromes, Hereditary; Tumor predisposition; Hereditary Cancer Syndrome. Identifiers: Orphanet 140162, MedGen C0027672, MeSH D009386, MONDO:0015356.

Allele frequency attached by ClinVar (database versions not stated): ExAC below 0.00001; gnomAD exomes below 0.00001.
gnomAD v4.1: 1 of 1,587,378 alleles (0.000063%); highest among the groups gnomAD compares: Non-Finnish European, 0.000086%; no homozygotes.

Submissions (2):

Ambry Genetics
Classification: Uncertain significance for Hereditary cancer-predisposing syndrome. Last evaluated: 2024-09-24. Review status: criteria provided, single submitter. Criteria: Ambry Variant Classification Scheme 2023. Collection method: clinical testing. Allele origin: germline.
Comment: The p.V320A variant (also known as c.959T>C), located in coding exon 8 of the STK11 gene, results from a T to C substitution at nucleotide position 959. The valine at codon 320 is replaced by alanine, an amino acid with similar properties. This amino acid position is highly conserved in available vertebrate species. In addition, the in silico prediction for this alteration is inconclusive. Based on the available evidence, the clinical significance of this variant remains unclear.

GeneDx
Classification: Uncertain significance. Last evaluated: 2016-10-04. Review status: criteria provided, single submitter. Criteria: GeneDx Variant Classification (06012015). Collection method: clinical testing. Allele origin: germline. Affected: yes.
Comment: This variant is denoted STK11 c.959T>C at the cDNA level, p.Val320Ala (V320A) at the protein level, and results in the change of a Valine to an Alanine (GTG>GCG). This variant has not, to our knowledge, been published in the literature as pathogenic or benign. STK11 Val320Ala was not observed in approximately 6,300 individuals of European and African American ancestry in the NHLBI Exome Sequencing Project, suggesting it is not a common benign variant in these populations. Since Valine and Alanine share similar properties, this is considered a conservative amino acid substitution. STK11 Val320Ala occurs at a position that is conserved across species and is located in the C-terminal domain (Hearle 2006). In silico analyses predict that this variant is probably damaging to protein structure and function. Based on currently available evidence, it is unclear whether STK11 Val320Ala is a pathogenic or benign variant. We consider it to be a variant of uncertain significance.